The following is an entry in ClinVar:

ClinVar aggregate classification (germline): Uncertain significance (1 of 4 stars; one submission).

Submission:

GeneDx
Classification: Uncertain significance. Last evaluated: 2023-05-05. Review status: criteria provided, single submitter. Criteria: GeneDx Variant Classification Process June 2021. Collection method: clinical testing. Allele origin: germline. Affected: yes.
Comment: Not observed at significant frequency in large population cohorts (gnomAD); In silico analysis supports that this missense variant has a deleterious effect on protein structure/function; Has not been previously published as pathogenic or benign to our knowledge

NM_138395.4(MARS2):c.929A>T (p.Lys310Met)

Gene: MARS2 (methionyl-tRNA synthetase 2, mitochondrial; plus strand). Cytogenetic location: 2q33.1.
Variant type: single nucleotide variant.
Coding change: c.929A>T on transcript NM_138395.4 (MANE Select); coding-DNA position 929, A replaced by T.
Protein change: p.Lys310Met; replaces lysine 310 with methionine.
Molecular consequence: missense variant.
Genome position (GRCh38, 1-based): chr2:197,706,334, A>T. VCF-style: chr2-197706334-A-T. GRCh37 (hg19) VCF-style: chr2-198571058-A-T.
Other names: short protein forms K310M.
Identifiers: ClinVar variation 3343252 (VCV003343252.1).